The following is an entry in ClinVar:

NM_144991.3(TSPEAR):c.490G>A (p.Val164Met)

Gene: TSPEAR (thrombospondin type laminin G domain and EAR repeats; minus strand). Cytogenetic location: 21q22.3.
Variant type: single nucleotide variant.
Coding change: c.490G>A on transcript NM_144991.3 (MANE Select); coding-DNA position 490, G replaced by A.
Protein change: p.Val164Met; replaces valine 164 with methionine.
Molecular consequence: missense variant.
Genome position (GRCh38, 1-based): chr21:44,533,737, C>T on the plus strand (G>A on the coding strand, the complement: TSPEAR is on the minus strand). VCF-style: chr21-44533737-C-T. GRCh37 (hg19) VCF-style: chr21-45953620-C-T.
Other names: c.286G>A, p.Val96Met (NM_001272037.2); short protein forms V164M, V96M.
Identifiers: ClinVar variation 4974487 (VCV004974487.1).

ClinVar aggregate classification (germline): Uncertain significance (1 of 4 stars; one submission).

Conditions:
Ectodermal dysplasia 14, hair/tooth type with or without hypohidrosis. Identifiers: Orphanet 685067, MedGen C4748560, MONDO:0032584, OMIM 618180.

Submission:

Lupski Lab, Baylor-Hopkins CMG, Baylor College of Medicine
Classification: Uncertain significance for Ectodermal dysplasia 14, hair/tooth type with or without hypohidrosis. Last evaluated: 2026-07-01. Review status: criteria provided, single submitter. Criteria: ACMG Guidelines, 2015. Collection method: research. Allele origin: paternal, maternal, germline. Inheritance: Autosomal recessive inheritance. Affected: yes and no. Observed: 3 variant alleles, 1 heterozygote, 2 compound heterozygotes. Clinical features observed: Hyperpigmentation of the skin (HP:0000953), Atopic eczema (HP:0001047), Sparse eyelashes (HP:0000653), Sparse eyebrow (HP:0045075), Sparse scalp hair (HP:0002209), Fine hair (HP:0002213), Sparse body hair (HP:0002231), Thin fingernail (HP:0012742), Tooth agenesis (HP:0009804), Hypodontia (HP:0000668), Abnormal dental morphology (HP:0006482), Irregular dentition (HP:0040079), and 3 more.
Comment: This c.490G>A variant is confirmed in trans with a p.Arg197Ter variant (PM3_Moderate= +2pts). It is at extremely low frequency in gnomAD (PM2_Supporting= +1pt). 3 pts (PM3 +2, PM2 +1).